The following is an entry in ClinVar:

ClinVar aggregate classification (germline): Benign/Likely benign. Review status: criteria provided, multiple submitters, no conflicts (2 of 4 stars). 7 submissions from 7 submitters: Benign (4); Likely benign (3). Last evaluated 2026-02-02.

Conditions:
Surfactant metabolism dysfunction, pulmonary, 4 (SMDP4). Also called: CSF2RA DEFICIENCY; PAP DUE TO CSF2RA DEFICIENCY; PULMONARY ALVEOLAR PROTEINOSIS, CONGENITAL, 4. Identifiers: Orphanet 264675, MedGen C2677877, MONDO:0010424, OMIM 300770.

Allele frequency attached by ClinVar (database versions not stated): gnomAD exomes 0.00336; ExAC 0.00405; gnomAD 0.01269 and 0.01345; TOPMed 0.01389; 1000 Genomes Project 30x 0.01415; 1000 Genomes Project 0.01430; ESP Exome Variant Server 0.01623.
gnomAD v4.1: 3,947 of 1,613,894 alleles (0.24%); highest among the groups gnomAD compares: African/African-American, 4.6%; 87 homozygotes.

Submissions (7):

Labcorp Genetics (formerly Invitae), Labcorp
Classification: Benign for Surfactant metabolism dysfunction, pulmonary, 4. Last evaluated: 2026-02-02. Review status: criteria provided, single submitter. Criteria: Invitae Variant Classification Sherloc (09022015). Collection method: clinical testing. Allele origin: germline.

Blueprint Genetics
Classification: Likely benign. Last evaluated: 2024-11-27. Review status: criteria provided, single submitter. Criteria: ACMG Guidelines, 2015. Collection method: clinical testing. Allele origin: germline.

Mayo Clinic Laboratories, Mayo Clinic
Classification: Benign. Last evaluated: 2021-07-07. Review status: criteria provided, single submitter. Criteria: ACMG Guidelines, 2015. Collection method: clinical testing. Allele origin: germline. Observed: 2 variant alleles.

GeneDx
Classification: Likely benign. Last evaluated: 2021-01-05. Review status: criteria provided, single submitter. Criteria: GeneDx Variant Classification Process June 2021. Collection method: clinical testing. Allele origin: germline. Affected: yes.

Johns Hopkins Genomics, Johns Hopkins University
Classification: Benign for Surfactant metabolism dysfunction, pulmonary, 4. Last evaluated: 2019-03-05. Review status: criteria provided, single submitter. Criteria: ACMG Guidelines, 2015. Collection method: clinical testing. Allele origin: germline.

Laboratory for Molecular Medicine, Mass General Brigham Personalized Medicine
Classification: Benign. Last evaluated: 2013-02-21. Review status: criteria provided, single submitter. Criteria: LMM Criteria. Collection method: clinical testing. Allele origin: germline. Observed: 3 variant alleles.
Comment: Pro142Leu in exon 7 of CSF2RA: This variant is not expected to have clinical sig nificance because it has been identified in 4.8% (210/4406) of African American chromosomes from a broad population by the NHLBI Exome Sequencing Project (dbSNP rs151058706).

Breakthrough Genomics
Classification: Likely benign. Review status: criteria provided, single submitter. Criteria: ACMG Guidelines, 2015. Collection method: not provided. Allele origin: germline. Inheritance: Unknown mechanism. Affected: yes.

NM_172245.4(CSF2RA):c.425C>T (p.Pro142Leu)

Gene: CSF2RA (colony stimulating factor 2 receptor subunit alpha; plus strand). Cytogenetic location: Xp22.33.
Variant type: single nucleotide variant.
Coding change: c.425C>T on transcript NM_172245.4 (MANE Select); coding-DNA position 425, C replaced by T.
Protein change: p.Pro142Leu; replaces proline 142 with leucine.
Molecular consequence: missense variant. On other transcripts: non-coding transcript variant (1).
Genome position (GRCh38, 1-based): chrX:1,288,840, C>T. VCF-style: chrX-1288840-C-T. GRCh37 (hg19) VCF-style: chrX-1407733-C-T.
Other names: c.425C>T, p.Pro142Leu (NM_001161529.2, NM_001161530.2, NM_001161531.2 and 20 more transcripts); c.26C>T, p.Pro9Leu (NM_001161532.2); c.425C>T (NM_006140.5); short protein forms P142L, P9L.
Identifiers: ClinVar variation 178715 (VCV000178715.21), dbSNP rs151058706, ClinGen allele CA182850.